The following is an entry in ClinVar:

ClinVar aggregate classification (germline): Pathogenic. Review status: criteria provided, multiple submitters, no conflicts (2 of 4 stars). 2 submissions from 2 submitters: Pathogenic (2). Last evaluated 2024-02-01.

Conditions:
Hereditary cancer-predisposing syndrome. Also called: Hereditary Cancer Syndrome; Neoplastic Syndromes, Hereditary; Tumor predisposition; Hereditary neoplastic syndrome. Identifiers: Orphanet 140162, MedGen C0027672, MeSH D009386, MONDO:0015356.
Hereditary breast ovarian cancer syndrome. Also called: Hereditary breast and ovarian cancer syndrome; Hereditary breast and ovarian cancer; Hereditary breast and ovarian cancer syndrome (HBOC); Breast and ovarian cancer; Hereditary breast and/or ovarian cancer syndrome; BRCA1- and BRCA2-Associated Hereditary Breast and Ovarian Cancer. Identifiers: Orphanet 145, MedGen C0677776, MeSH D061325, MONDO:0003582. Disease mechanism: loss of function.

Submissions (2):

Labcorp Genetics (formerly Invitae), Labcorp
Classification: Pathogenic for Hereditary breast ovarian cancer syndrome. Last evaluated: 2024-02-01. Review status: criteria provided, single submitter. Criteria: Invitae Variant Classification Sherloc (09022015). Collection method: clinical testing. Allele origin: germline.
Comment: This sequence change creates a premature translational stop signal (p.Gly559Valfs*13) in the BRCA1 gene. It is expected to result in an absent or disrupted protein product. Loss-of-function variants in BRCA1 are known to be pathogenic (PMID: 20104584). This variant is not present in population databases (gnomAD no frequency). This variant has not been reported in the literature in individuals affected with BRCA1-related conditions. ClinVar contains an entry for this variant (Variation ID: 480991). For these reasons, this variant has been classified as Pathogenic.

Ambry Genetics
Classification: Pathogenic for Hereditary cancer-predisposing syndrome. Last evaluated: 2023-02-21. Review status: criteria provided, single submitter. Criteria: Ambry Variant Classification Scheme 2023. Collection method: clinical testing. Allele origin: germline.
Comment: The c.1676delG pathogenic mutation, located in coding exon 9 of the BRCA1 gene, results from a deletion of one nucleotide at nucleotide position 1676, causing a translational frameshift with a predicted alternate stop codon (p.G559Vfs*13). This alteration is expected to result in loss of function by premature protein truncation or nonsense-mediated mRNA decay. As such, this alteration is interpreted as a disease-causing mutation.

Literature cited by the submitters: PubMed 20104584 (cited by Labcorp Genetics (formerly Invitae), Labcorp).

NM_007294.4(BRCA1):c.1676del (p.Gly559fs)

Gene: BRCA1 (BRCA1 DNA repair associated; minus strand). Cytogenetic location: 17q21.31.
Variant type: Deletion.
Coding change: c.1676del on transcript NM_007294.4 (MANE Select); coding-DNA position 1676, one base deleted (G; older notation c.1676delG).
Protein change: p.Gly559fs; shifts the reading frame from glycine 559.
Molecular consequence: frameshift variant. On other transcripts: intron variant (137).
Genome position (GRCh38, 1-based): chr17:43,093,855, C deleted on the plus strand (G on the coding strand, the reverse complement: BRCA1 is on the minus strand); the first of 2 consecutive C bases (chr17:43,093,855-43,093,856); deleting either gives the same sequence. VCF-style (leftmost placement, unchanged base first): chr17-43093854-AC-A. GRCh37 (hg19) VCF-style: chr17-41245871-AC-A.
Other names: c.1676delG (NM_007294.3); c.1463del, p.Gly488fs (NM_001407571.1, NM_001407853.1, NM_001407894.1 and 9 more transcripts); c.1676del, p.Gly559fs (NM_001407581.1, NM_001407582.1, NM_001407583.1 and 30 more transcripts); c.1673del, p.Gly558fs (NM_001407587.1, NM_001407590.1, NM_001407591.1 and 22 more transcripts); c.1667del, p.Gly556fs (NM_001407646.1, NM_001407647.1); c.1553del, p.Gly518fs (NM_001407648.1, NM_001407664.1, NM_001407665.1 and 19 more transcripts); c.1550del, p.Gly517fs (NM_001407649.1, NM_001407670.1, NM_001407671.1 and 11 more transcripts); c.1598del, p.Gly533fs (NM_001407653.1, NM_001407654.1, NM_001407655.1 and 4 more transcripts); and 41 more; short protein forms G512fs, G559fs, G431fs, G470fs, G491fs, G391fs, G432fs, G492fs.
Identifiers: ClinVar variation 480991 (VCV000480991.13), dbSNP rs1555591383, ClinGen allele CA658656759.